The following is an entry in ClinVar:

ClinVar aggregate classification (germline): Uncertain significance. Review status: criteria provided, multiple submitters, no conflicts (2 of 4 stars). 2 submissions from 2 submitters: Uncertain significance (2). Last evaluated 2025-02-23.

Conditions:
Catecholaminergic polymorphic ventricular tachycardia (CVPT). Also called: Catecholamine-induced polymorphic ventricular tachycardia. Identifiers: Orphanet 3286, MedGen C5574922, MONDO:0017990.
Catecholaminergic polymorphic ventricular tachycardia 1. Also called: VENTRICULAR TACHYCARDIA, CATECHOLAMINERGIC POLYMORPHIC, 1, WITH OR WITHOUT ATRIAL DYSFUNCTION AND/OR DILATED CARDIOMYOPATHY; VENTRICULAR TACHYCARDIA, STRESS-INDUCED POLYMORPHIC 1; RYR2-Related Catecholaminergic Polymorphic Ventricular Tachycardia. Identifiers: Orphanet 3286, MedGen C1631597, MONDO:0011484, OMIM 604772.

gnomAD v4.1: 1 of 1,613,414 alleles (0.000062%); no homozygotes.

Submissions (2):

Labcorp Genetics (formerly Invitae), Labcorp
Classification: Uncertain significance for Catecholaminergic polymorphic ventricular tachycardia 1. Last evaluated: 2025-02-23. Review status: criteria provided, single submitter. Criteria: Invitae Variant Classification Sherloc (09022015). Collection method: clinical testing. Allele origin: germline.
Comment: This sequence change replaces threonine, which is neutral and polar, with alanine, which is neutral and non-polar, at codon 1645 of the RYR2 protein (p.Thr1645Ala). This variant is not present in population databases (gnomAD no frequency). This variant has not been reported in the literature in individuals affected with RYR2-related conditions. ClinVar contains an entry for this variant (Variation ID: 3385732). Invitae Evidence Modeling of protein sequence and biophysical properties (such as structural, functional, and spatial information, amino acid conservation, physicochemical variation, residue mobility, and thermodynamic stability) indicates that this missense variant is not expected to disrupt RYR2 protein function with a negative predictive value of 95%. In summary, the available evidence is currently insufficient to determine the role of this variant in disease. Therefore, it has been classified as a Variant of Uncertain Significance.

All of Us Research Program, National Institutes of Health
Classification: Uncertain significance for Catecholaminergic polymorphic ventricular tachycardia. Last evaluated: 2024-08-06. Review status: criteria provided, single submitter. Criteria: ACMG Guidelines, 2015. Collection method: clinical testing. Allele origin: germline. Inheritance: Autosomal dominant inheritance. Observed: 1 variant allele, 1 heterozygote.
Comment: This study involves interpretation of variants in research participants for the purpose of population health screening. Participant phenotype was not available at the time of variant classification. Additional details can be found in publication PMID: 35346344, PMCID: PMC8962531

NM_001035.3(RYR2):c.4933A>G (p.Thr1645Ala)

Gene: RYR2 (ryanodine receptor 2; plus strand). Cytogenetic location: 1q43.
Variant type: single nucleotide variant.
Coding change: c.4933A>G on transcript NM_001035.3 (MANE Select); coding-DNA position 4933, A replaced by G.
Protein change: p.Thr1645Ala; replaces threonine 1645 with alanine.
Molecular consequence: missense variant.
Genome position (GRCh38, 1-based): chr1:237,614,061, A>G. VCF-style: chr1-237614061-A-G. GRCh37 (hg19) VCF-style: chr1-237777361-A-G.
Other names: short protein forms T1645A.
Identifiers: ClinVar variation 3385732 (VCV003385732.3).